The following is an entry in ClinVar:

ClinVar aggregate classification (germline): Uncertain significance (1 of 4 stars; one submission).

Submission:

GeneDx
Classification: Uncertain significance. Last evaluated: 2024-04-04. Review status: criteria provided, single submitter. Criteria: GeneDx Variant Classification Process June 2021. Collection method: clinical testing. Allele origin: germline. Affected: yes.
Comment: Not observed at significant frequency in large population cohorts (gnomAD); In silico analysis supports that this missense variant has a deleterious effect on protein structure/function; In silico analysis suggests this variant may impact gene splicing. In the absence of RNA/functional studies, the actual effect of this sequence change is unknown.; Has not been previously published as pathogenic or benign to our knowledge

NM_172362.3(KCNH1):c.1372A>G (p.Met458Val)

Gene: KCNH1 (potassium voltage-gated channel subfamily H member 1; minus strand). Cytogenetic location: 1q32.2.
Variant type: single nucleotide variant.
Coding change: c.1372A>G on transcript NM_172362.3 (MANE Select); coding-DNA position 1372, A replaced by G.
Protein change: p.Met458Val; replaces methionine 458 with valine.
Molecular consequence: missense variant.
Genome position (GRCh38, 1-based): chr1:210,919,730, T>C on the plus strand (A>G on the coding strand, the complement: KCNH1 is on the minus strand). VCF-style: chr1-210919730-T-C. GRCh37 (hg19) VCF-style: chr1-211093072-T-C.
Other names: c.1291A>G, p.Met431Val (NM_002238.4); short protein forms M431V, M458V.
Identifiers: ClinVar variation 3371390 (VCV003371390.1).